The following is an entry in ClinVar:

ClinVar aggregate classification (germline): Conflicting classifications of pathogenicity. Review status: criteria provided, conflicting classifications (1 of 4 stars). 2 submissions from 2 submitters: Uncertain significance (1); Likely benign (1). Last evaluated 2025-04-10.

Allele frequency attached by ClinVar (database versions not stated): gnomAD exomes below 0.00001; gnomAD 0.00002; TOPMed 0.00002.
gnomAD v4.1: 3 of 1,612,632 alleles (0.00019%); highest among the groups gnomAD compares: African/African-American, 0.004%; no homozygotes.

Submissions (2):

Labcorp Genetics (formerly Invitae), Labcorp
Classification: Likely benign. Last evaluated: 2025-04-10. Review status: criteria provided, single submitter. Criteria: Invitae Variant Classification Sherloc (09022015). Collection method: clinical testing. Allele origin: germline.

GeneDx
Classification: Uncertain significance. Last evaluated: 2023-05-23. Review status: criteria provided, single submitter. Criteria: GeneDx Variant Classification Process June 2021. Collection method: clinical testing. Allele origin: germline. Affected: yes.
Comment: Not observed at significant frequency in large population cohorts (gnomAD); In silico analysis supports that this variant does not alter splicing; Has not been previously published as pathogenic or benign to our knowledge

NM_006231.4(POLE):c.286-12G>A

Gene: POLE (DNA polymerase epsilon, catalytic subunit; minus strand). Cytogenetic location: 12q24.33.
Variant type: single nucleotide variant.
Coding change: c.286-12G>A on transcript NM_006231.4 (MANE Select); 12 bases into the intron before coding-DNA position 286, G replaced by A.
Molecular consequence: intron variant.
Genome position (GRCh38, 1-based): chr12:132,680,234, C>T on the plus strand (G>A on the coding strand, the complement: POLE is on the minus strand). VCF-style: chr12-132680234-C-T. GRCh37 (hg19) VCF-style: chr12-133256820-C-T.
Identifiers: ClinVar variation 1546707 (VCV001546707.9), dbSNP rs1244267880, ClinGen allele CA608262959.